The following is an entry in ClinVar:

ClinVar aggregate classification (germline): Pathogenic. Review status: criteria provided, multiple submitters, no conflicts (2 of 4 stars). 5 submissions from 5 submitters: Pathogenic (4). 1 of the submissions does not count toward it. Last evaluated 2023-12-24.

Conditions:
Menkes kinky-hair syndrome (MNK). Also called: Menkes Disease; Copper transport disease; Classic Menkes Disease. Identifiers: Orphanet 565, MedGen C0022716, MONDO:0010651, OMIM 309400.
Cutis laxa, X-linked (OHS). Also called: EDS IX; Occipital horn syndrome. Identifiers: Orphanet 198, MedGen C0268353, MONDO:0010572, OMIM 304150.
X-linked distal spinal muscular atrophy type 3. Also called: SPINAL MUSCULAR ATROPHY, DISTAL, X-LINKED RECESSIVE; NEURONOPATHY, DISTAL HEREDITARY MOTOR, X-LINKED; NEUROPATHY, DISTAL HEREDITARY MOTOR, X-LINKED; ATP7A-Related Distal Motor Neuropathy. Identifiers: Orphanet 139557, MedGen C1845359, MONDO:0010338, OMIM 300489.

Submissions (5):

Baylor Genetics
Classification: Pathogenic for Menkes kinky-hair syndrome. Last evaluated: 2023-12-24. Review status: criteria provided, single submitter. Criteria: ACMG Guidelines, 2015. Collection method: clinical testing. Allele origin: unknown.

GeneDx
Classification: Pathogenic. Last evaluated: 2023-11-17. Review status: criteria provided, single submitter. Criteria: GeneDx Variant Classification Process June 2021. Collection method: clinical testing. Allele origin: germline. Affected: yes.
Comment: Nonsense variant predicted to result in protein truncation or nonsense mediated decay in a gene for which loss of function is a known mechanism of disease; Not observed at significant frequency in large population cohorts (gnomAD); This variant is associated with the following publications: (PMID: 25525159, 31349857, 11241493, 11472597, 28451781)

Labcorp Genetics (formerly Invitae), Labcorp
Classification: Pathogenic for X-linked distal spinal muscular atrophy type 3; Cutis laxa, X-linked; Menkes kinky-hair syndrome. Last evaluated: 2023-11-08. Review status: criteria provided, single submitter. Criteria: Invitae Variant Classification Sherloc (09022015). Collection method: clinical testing. Allele origin: germline.
Comment: This sequence change creates a premature translational stop signal (p.Arg986*) in the ATP7A gene. It is expected to result in an absent or disrupted protein product. Loss-of-function variants in ATP7A are known to be pathogenic (PMID: 11241493, 20652413). This variant is not present in population databases (gnomAD no frequency). This premature translational stop signal has been observed in individual(s) with Menkes disease (PMID: 11472597, 28451781). In at least one individual the variant was observed to be de novo. ClinVar contains an entry for this variant (Variation ID: 210438). For these reasons, this variant has been classified as Pathogenic.

Genetic Services Laboratory, University of Chicago
Classification: Pathogenic for Menkes disease. Last evaluated: 2013-02-08. Review status: criteria provided, single submitter. Criteria: ACMG Guidelines, 2007. Collection method: clinical testing. Allele origin: germline. Affected: yes.

Inherited Neuropathy Consortium Ii, University Of Miami
Classification: Uncertain significance for Menkes kinky-hair syndrome. Last evaluated: 2016-01-06. Review status: no assertion criteria provided. Collection method: literature only. Allele origin: germline. Affected: yes. Not counted in ClinVar's aggregate classification.

Literature cited by the submitters: PubMed 11241493 (cited by Labcorp Genetics (formerly Invitae), Labcorp); PubMed 20652413 (cited by Labcorp Genetics (formerly Invitae), Labcorp); PubMed 11472597 (cited by Labcorp Genetics (formerly Invitae), Labcorp); PubMed 28451781 (cited by Labcorp Genetics (formerly Invitae), Labcorp); PubMed 23281160 (cited by Inherited Neuropathy Consortium Ii, University Of Miami).

NM_000052.7(ATP7A):c.2956C>T (p.Arg986Ter)

Gene: ATP7A (ATPase copper transporting alpha; plus strand). Cytogenetic location: Xq21.1.
Variant type: single nucleotide variant.
Coding change: c.2956C>T on transcript NM_000052.7 (MANE Select); coding-DNA position 2956, C replaced by T.
Protein change: p.Arg986Ter; replaces arginine 986 with a stop codon.
Molecular consequence: nonsense.
Genome position (GRCh38, 1-based): chrX:78,029,289, C>T. VCF-style: chrX-78029289-C-T. GRCh37 (hg19) VCF-style: chrX-77284786-C-T.
Other names: c.2722C>T, p.Arg908Ter (NM_001282224.2); c.2956C>T (NM_000052.6); short protein forms R986*, R908*.
Identifiers: ClinVar variation 210438 (VCV000210438.14), dbSNP rs72554650, ClinGen allele CA277137.